The following is an entry in ClinVar:

NM_001430.5(EPAS1):c.1898G>A (p.Gly633Asp)

Gene: EPAS1 (endothelial PAS domain protein 1; plus strand). Cytogenetic location: 2p21.
Variant type: single nucleotide variant.
Coding change: c.1898G>A on transcript NM_001430.5 (MANE Select); coding-DNA position 1898, G replaced by A.
Protein change: p.Gly633Asp; replaces glycine 633 with aspartic acid.
Molecular consequence: missense variant.
Genome position (GRCh38, 1-based): chr2:46,380,570, G>A. VCF-style: chr2-46380570-G-A. GRCh37 (hg19) VCF-style: chr2-46607709-G-A.
Other names: short protein forms G633D.
Identifiers: ClinVar variation 1782206 (VCV001782206.2), dbSNP rs754240655, ClinGen allele CA1645141.

ClinVar aggregate classification (germline): Uncertain significance (1 of 4 stars; one submission).

Conditions:
Inborn genetic diseases. Identifiers: MedGen C0950123, MeSH D030342.

Allele frequency attached by ClinVar (database versions not stated): gnomAD exomes below 0.00001; ExAC 0.00002.
gnomAD v4.1: 4 of 1,614,072 alleles (0.00025%); highest among the groups gnomAD compares: East Asian, 0.0022%; no homozygotes.

Submission:

Ambry Genetics
Classification: Uncertain significance for Inborn genetic diseases. Last evaluated: 2021-10-30. Review status: criteria provided, single submitter. Criteria: Ambry Variant Classification Scheme 2023. Collection method: clinical testing. Allele origin: germline.
Comment: The p.G633D variant (also known as c.1898G>A), located in coding exon 12 of the EPAS1 gene, results from a G to A substitution at nucleotide position 1898. The glycine at codon 633 is replaced by aspartic acid, an amino acid with similar properties. This amino acid position is conserved. In addition, this alteration is predicted to be deleterious by in silico analysis. Since supporting evidence is limited at this time, the clinical significance of this alteration remains unclear.